The following is an entry in ClinVar:

NM_175940.3(DUOX1):c.4547G>A (p.Gly1516Glu)

Gene: DUOX1 (dual oxidase 1; plus strand). Cytogenetic location: 15q21.1.
Variant type: single nucleotide variant.
Coding change: c.4547G>A on transcript NM_175940.3 (MANE Select); coding-DNA position 4547, G replaced by A.
Protein change: p.Gly1516Glu; replaces glycine 1516 with glutamic acid.
Molecular consequence: missense variant.
Genome position (GRCh38, 1-based): chr15:45,164,792, G>A. VCF-style: chr15-45164792-G-A. GRCh37 (hg19) VCF-style: chr15-45456990-G-A.
Other names: c.4547G>A, p.Gly1516Glu (NM_017434.5); short protein forms G1516E.
Identifiers: ClinVar variation 2645303 (VCV002645303.24), dbSNP rs140588068, ClinGen allele CA7541613.

ClinVar aggregate classification (germline): Uncertain significance (1 of 4 stars; one submission).

Allele frequency attached by ClinVar (database versions not stated): gnomAD 0.00001; gnomAD exomes 0.00001; ESP Exome Variant Server 0.00008; ExAC 0.00001.
gnomAD v4.1: 25 of 1,614,054 alleles (0.0015%); highest among the groups gnomAD compares: Non-Finnish European, 0.0018%; no homozygotes.

Submission:

CeGaT Center for Human Genetics Tuebingen
Classification: Uncertain significance. Last evaluated: 2022-07-01. Review status: criteria provided, single submitter. Criteria: CeGaT Center For Human Genetics Tuebingen Variant Classification Criteria Version 2. Collection method: clinical testing. Allele origin: germline. Affected: yes. Observed: 1 variant allele.
Comment: DUOX1: PP3